The following is an entry in ClinVar:

NM_001163809.2(WDR81):c.2254C>T (p.Pro752Ser)

Gene: WDR81 (WD repeat domain 81; plus strand). Cytogenetic location: 17p13.3.
Variant type: single nucleotide variant.
Coding change: c.2254C>T on transcript NM_001163809.2 (MANE Select); coding-DNA position 2254, C replaced by T.
Protein change: p.Pro752Ser; replaces proline 752 with serine.
Molecular consequence: missense variant. On other transcripts: intron variant (3).
Genome position (GRCh38, 1-based): chr17:1,727,213, C>T. VCF-style: chr17-1727213-C-T. GRCh37 (hg19) VCF-style: chr17-1630507-C-T.
Other names: c.-123-777C>T (NM_152348.4); c.59-3167C>T (NM_001163673.2); c.-15+2427C>T (NM_001163811.2); short protein forms P752S.
Identifiers: ClinVar variation 708421 (VCV000708421.49), dbSNP rs200781463, ClinGen allele CA8273112.

ClinVar aggregate classification (germline): Likely benign. Review status: criteria provided, multiple submitters, no conflicts (2 of 4 stars). 5 submissions from 5 submitters: Likely benign (5). Last evaluated 2025-11-01.

Conditions:
WDR81-related disorder. Also called: WDR81-related condition.
Intellectual disability. Also called: Intellectual developmental disorder; Intellectual functioning disability; intellectual disabilities. Identifiers: MedGen C3714756, MeSH D008607, MONDO:0001071, HP:0001249.
Cerebellar ataxia, impaired intellectual development, and dysequilibrium syndrome 2. Also called: CEREBELLAR ATAXIA, MENTAL RETARDATION, AND DYSEQUILIBRIUM SYNDROME 2; CEREBELLAR ATAXIA AND MENTAL RETARDATION WITH OR WITHOUT QUADRUPEDAL LOCOMOTION 2; Cerebellar ataxia, intellectual disability, and dysequilibrium syndrome 2. Identifiers: Orphanet 1766, MedGen C2750234, MONDO:0012430, OMIM 610185.

Allele frequency attached by ClinVar (database versions not stated): 1000 Genomes Project 0.00100; gnomAD 0.00113 and 0.00117; gnomAD exomes 0.00143 and 0.00146; ExAC 0.00191; TOPMed 0.00099; 1000 Genomes Project 30x 0.00094.
gnomAD v4.1: 2,208 of 1,550,154 alleles (0.14%); highest among the groups gnomAD compares: Middle Eastern, 0.53%; 6 homozygotes.

Submissions (5):

CeGaT Center for Human Genetics Tuebingen
Classification: Likely benign. Last evaluated: 2025-11-01. Review status: criteria provided, single submitter. Criteria: CeGaT Center For Human Genetics Tuebingen Variant Classification Criteria Version 2. Collection method: clinical testing. Allele origin: germline. Affected: yes. Observed: 10 variant alleles.
Comment: WDR81: BP4

PreventionGenetics, part of Exact Sciences
Classification: Likely benign for WDR81-related condition. Last evaluated: 2025-05-22. Review status: criteria provided, single submitter. Criteria: ACMG Guidelines, 2015. Collection method: clinical testing. Allele origin: germline.
Comment: This variant is classified as likely benign based on ACMG/AMP sequence variant interpretation guidelines (Richards et al. 2015 PMID: 25741868, with internal and published modifications).

Cambridge Genomics Laboratory, East Genomic Laboratory Hub, NHS Genomic Medicine Service
Classification: Likely benign for Intellectual disability. Last evaluated: 2020-07-13. Review status: criteria provided, single submitter. Criteria: ACGS Best Practice Guidelines for Variant Classification in Rare Disease 2020. Collection method: clinical testing. Allele origin: germline. Affected: yes. Observed: 1 variant allele.

Labcorp Genetics (formerly Invitae), Labcorp
Classification: Likely benign. Last evaluated: 2019-12-31. Review status: criteria provided, single submitter. Criteria: Invitae Variant Classification Sherloc (09022015). Collection method: clinical testing. Allele origin: germline.

Institute of Human Genetics, University of Leipzig Medical Center
Classification: Likely benign for Cerebellar ataxia, impaired intellectual development, and dysequilibrium syndrome 2. Last evaluated: 2019-01-01. Review status: criteria provided, single submitter. Criteria: ACMG Guidelines, 2015. Collection method: clinical testing. Allele origin: unknown. Affected: yes.